The following is an entry in ClinVar:

NM_005560.6(LAMA5):c.6771C>T (p.Thr2257=)

Gene: LAMA5 (laminin subunit alpha 5; minus strand). Cytogenetic location: 20q13.33.
Variant type: single nucleotide variant.
Coding change: c.6771C>T on transcript NM_005560.6 (MANE Select); coding-DNA position 6771, C replaced by T.
Protein change: p.Thr2257=; no amino-acid change (threonine 2257 retained).
Molecular consequence: synonymous variant.
Genome position (GRCh38, 1-based): chr20:62,319,784, G>A on the plus strand (C>T on the coding strand, the complement: LAMA5 is on the minus strand). VCF-style: chr20-62319784-G-A. GRCh37 (hg19) VCF-style: chr20-60894840-G-A.
Other names: p.Thr2257=.
Identifiers: ClinVar variation 1600768 (VCV001600768.33), dbSNP rs35294553, ClinGen allele CA9941555.

ClinVar aggregate classification (germline): Benign. Review status: criteria provided, multiple submitters, no conflicts (2 of 4 stars). 4 submissions from 4 submitters: Benign (4). Last evaluated 2026-08-01.

Allele frequency attached by ClinVar (database versions not stated): 1000 Genomes Project 30x 0.00578; 1000 Genomes Project 0.00599; ESP Exome Variant Server 0.00755; TOPMed 0.00999; ExAC 0.01040; gnomAD 0.01046 and 0.01088; gnomAD exomes 0.01092 and 0.01254.
gnomAD v4.1: 19,128 of 1,546,120 alleles (1.2%); highest among the groups gnomAD compares: Middle Eastern, 3.3%; 161 homozygotes.

Submissions (4):

CeGaT Center for Human Genetics Tuebingen
Classification: Benign. Last evaluated: 2026-08-01. Review status: criteria provided, single submitter. Criteria: CeGaT Center For Human Genetics Tuebingen Variant Classification Criteria Version 2. Collection method: clinical testing. Allele origin: germline. Affected: yes. Observed: 16 variant alleles.
Comment: LAMA5: BP4, BP7, BS1, BS2

Labcorp Genetics (formerly Invitae), Labcorp
Classification: Benign. Last evaluated: 2026-01-27. Review status: criteria provided, single submitter. Criteria: Invitae Variant Classification Sherloc (09022015). Collection method: clinical testing. Allele origin: germline.

Mayo Clinic Laboratories, Mayo Clinic
Classification: Benign. Last evaluated: 2023-12-21. Review status: criteria provided, single submitter. Criteria: ACMG Guidelines, 2015. Collection method: clinical testing. Allele origin: germline. Observed: 5 variant alleles.
Comment: BS1, BS2, BP4, BP7

Breakthrough Genomics
Classification: Benign. Review status: criteria provided, single submitter. Criteria: ACMG Guidelines, 2015. Collection method: not provided. Allele origin: germline. Inheritance: Autosomal recessive inheritance. Affected: yes.